The following is an entry in ClinVar:

NM_206933.4(USH2A):c.10004T>C (p.Ile3335Thr)

Gene: USH2A (usherin; minus strand). Cytogenetic location: 1q41.
Variant type: single nucleotide variant.
Coding change: c.10004T>C on transcript NM_206933.4 (MANE Select); coding-DNA position 10004, T replaced by C.
Protein change: p.Ile3335Thr; replaces isoleucine 3335 with threonine.
Molecular consequence: missense variant.
Genome position (GRCh38, 1-based): chr1:215,790,237, A>G on the plus strand (T>C on the coding strand, the complement: USH2A is on the minus strand). VCF-style: chr1-215790237-A-G. GRCh37 (hg19) VCF-style: chr1-215963579-A-G.
Other names: short protein forms I3335T.
Identifiers: ClinVar variation 2154301 (VCV002154301.1), dbSNP rs530323450, ClinGen allele CA37443070.
Genomic context (GRCh38, chr1:215,790,237, plus strand): 5'-GGCACCGGGTCATTCTTTTTAATATGTGCTTTAGACTCTCCACTGGAAGCTGAGCAGCAT[A>G]TGGTATCTGACATATTCACATAATCCTGCCCACAACAGAACATACCTGCAACAATAAAAT-3'
Protein context (NP_996816.3, residues 3325-3345): GQDYVNMSDT[Ile3335Thr]CCSASSGESK

ClinVar aggregate classification (germline): Uncertain significance (1 of 4 stars; one submission).

Allele frequency attached by ClinVar (database versions not stated): gnomAD exomes below 0.00001; gnomAD 0.00001; TOPMed 0.00001; 1000 Genomes Project 30x 0.00016; 1000 Genomes Project 0.00020.
gnomAD v4.1: 2 of 1,614,090 alleles (0.00012%); highest among the groups gnomAD compares: East Asian, 0.0022%; no homozygotes.

Submission:

Labcorp Genetics (formerly Invitae), Labcorp
Classification: Uncertain significance. Last evaluated: 2022-05-22. Review status: criteria provided, single submitter. Criteria: Invitae Variant Classification Sherloc (09022015). Collection method: clinical testing. Allele origin: germline.
Comment: This sequence change replaces isoleucine, which is neutral and non-polar, with threonine, which is neutral and polar, at codon 3335 of the USH2A protein (p.Ile3335Thr). This variant is present in population databases (rs530323450, gnomAD 0.0009%). This variant has not been reported in the literature in individuals affected with USH2A-related conditions. Algorithms developed to predict the effect of missense changes on protein structure and function output the following: SIFT: "Deleterious"; PolyPhen-2: "Benign"; Align-GVGD: "Class C65". The threonine amino acid residue is found in multiple mammalian species, which suggests that this missense change does not adversely affect protein function. In summary, the available evidence is currently insufficient to determine the role of this variant in disease. Therefore, it has been classified as a Variant of Uncertain Significance.